The following is an entry in ClinVar:

ClinVar aggregate classification (germline): Uncertain significance (1 of 4 stars; one submission).

Conditions:
Glycogen storage disease type III (GSD3). Also called: Cori disease; FORBES DISEASE. Identifiers: Orphanet 366, MedGen C0017922, MONDO:0009291, OMIM 232400.

Allele frequency attached by ClinVar (database versions not stated): gnomAD exomes below 0.00001.
gnomAD v4.1: 1 of 1,595,070 alleles (0.000063%); highest among the groups gnomAD compares: Non-Finnish European, 0.000086%; no homozygotes.

Submission:

Labcorp Genetics (formerly Invitae), Labcorp
Classification: Uncertain significance for Glycogen storage disease type III. Last evaluated: 2024-09-05. Review status: criteria provided, single submitter. Criteria: Invitae Variant Classification Sherloc (09022015). Collection method: clinical testing. Allele origin: germline.
Comment: This sequence change affects codon 1316 of the AGL mRNA. It is a 'silent' change, meaning that it does not change the encoded amino acid sequence of the AGL protein. It affects a nucleotide within the consensus splice site. This variant is not present in population databases (gnomAD no frequency). This variant has not been reported in the literature in individuals affected with AGL-related conditions. ClinVar contains an entry for this variant (Variation ID: 1906643). Algorithms developed to predict the effect of sequence changes on RNA splicing suggest that this variant is not likely to affect RNA splicing. In summary, the available evidence is currently insufficient to determine the role of this variant in disease. Therefore, it has been classified as a Variant of Uncertain Significance.

NM_000642.3(AGL):c.3948T>C (p.His1316=)

Gene: AGL (amylo-alpha-1,6-glucosidase and 4-alpha-glucanotransferase; plus strand). Cytogenetic location: 1p21.2.
Variant type: single nucleotide variant.
Coding change: c.3948T>C on transcript NM_000642.3 (MANE Select); coding-DNA position 3948, T replaced by C.
Protein change: p.His1316=; no amino-acid change (histidine 1316 retained).
Molecular consequence: synonymous variant.
Genome position (GRCh38, 1-based): chr1:99,912,516, T>C. VCF-style: chr1-99912516-T-C. GRCh37 (hg19) VCF-style: chr1-100378072-T-C.
Other names: c.3948T>C, p.His1316= (NM_000028.3, NM_000643.3, NM_000644.3 and 1 more transcripts); c.3900T>C, p.His1300= (NM_000646.3); c.3927T>C, p.His1309= (NM_001425326.1); c.3747T>C, p.His1249= (NM_001425327.1); c.3744T>C, p.His1248= (NM_001425328.1); c.3609T>C, p.His1203= (NM_001425329.1); c.3570T>C, p.His1190= (NM_001425332.1).
Identifiers: ClinVar variation 1906643 (VCV001906643.4), dbSNP rs2523813575, ClinGen allele CA419092732.